The following is an entry in ClinVar:

ClinVar aggregate classification (germline): Conflicting classifications of pathogenicity. Review status: criteria provided, conflicting classifications (1 of 4 stars). 5 submissions from 5 submitters: Uncertain significance (3); Likely benign (2). Last evaluated 2026-01-27.

Conditions:
Exudative vitreoretinopathy 4 (EVR4). Identifiers: Orphanet 891, MedGen C1866176, MONDO:0011151, OMIM 601813.
Bone mineral density quantitative trait locus 1 (BMND1). Identifiers: MedGen C1866079, OMIM 601884.
Polycystic liver disease 4 with or without kidney cysts. Identifiers: MedGen C4693479, MONDO:0044327, OMIM 617875.
Autosomal dominant osteopetrosis 1 (OPTA1). Also called: OSTEOPETROSIS, AUTOSOMAL DOMINANT, TYPE I. Identifiers: Orphanet 2783, MedGen C1843330, MONDO:0011877, OMIM 607634.
Osteoporosis with pseudoglioma (OPPG). Also called: osteoporosis-pseudoglioma syndrome. Identifiers: Orphanet 2788, MedGen C0432252, MONDO:0009820, OMIM 259770.
Worth disease. Also called: OSTEOSCLEROSIS, AUTOSOMAL DOMINANT; ENDOSTEAL HYPEROSTOSIS, AUTOSOMAL DOMINANT; Autosomal dominant osteosclerosis, Worth type. Identifiers: Orphanet 2790, MedGen C0432273, MONDO:0007764, OMIM 144750.

Allele frequency attached by ClinVar (database versions not stated): ESP Exome Variant Server 0.00008; gnomAD exomes 0.00023 and 0.00029; TOPMed 0.00023; ExAC 0.00026; gnomAD 0.00026.
gnomAD v4.1: 371 of 1,614,048 alleles (0.023%); highest among the groups gnomAD compares: Non-Finnish European, 0.023%; no homozygotes.

Submissions (5):

Labcorp Genetics (formerly Invitae), Labcorp
Classification: Likely benign. Last evaluated: 2026-01-27. Review status: criteria provided, single submitter. Criteria: Invitae Variant Classification Sherloc (09022015). Collection method: clinical testing. Allele origin: germline.

GeneDx
Classification: Uncertain significance. Last evaluated: 2025-07-14. Review status: criteria provided, single submitter. Criteria: GeneDx Variant Classification Process June 2021. Collection method: clinical testing. Allele origin: germline. Affected: yes.
Comment: Identified in a patient with familial exudative vitreoretinopathy who also harbored a likely pathogenic/pathogenic variant in the FZD4 gene in published literature (PMID: 35328049); In silico analysis supports that this missense variant has a deleterious effect on protein structure/function; This variant is associated with the following publications: (PMID: 35328049)

Blueprint Genetics
Classification: Likely benign. Last evaluated: 2024-09-23. Review status: criteria provided, single submitter. Criteria: ACMG Guidelines, 2015. Collection method: clinical testing. Allele origin: germline.

Fulgent Genetics
Classification: Uncertain significance for Worth disease; Osteoporosis with pseudoglioma; Exudative vitreoretinopathy 4; Bone mineral density quantitative trait locus 1; Autosomal dominant osteopetrosis 1; Polycystic liver disease 4 with or without kidney cysts. Last evaluated: 2024-03-13. Review status: criteria provided, single submitter. Criteria: ACMG Guidelines, 2015. Collection method: clinical testing. Allele origin: germline.

Eurofins Ntd Llc (ga)
Classification: Uncertain significance. Last evaluated: 2015-08-14. Review status: criteria provided, single submitter. Criteria: EGL Classification Definitions 2015. Collection method: clinical testing. Allele origin: germline. Observed: 3 variant alleles, 3 heterozygotes.

NM_002335.4(LRP5):c.4565C>T (p.Pro1522Leu)

Gene: LRP5 (LDL receptor related protein 5; plus strand). Cytogenetic location: 11q13.2.
Variant type: single nucleotide variant.
Coding change: c.4565C>T on transcript NM_002335.4 (MANE Select); coding-DNA position 4565, C replaced by T.
Protein change: p.Pro1522Leu; replaces proline 1522 with leucine.
Molecular consequence: missense variant.
Genome position (GRCh38, 1-based): chr11:68,446,512, C>T. VCF-style: chr11-68446512-C-T. GRCh37 (hg19) VCF-style: chr11-68213980-C-T.
Other names: c.2822C>T, p.Pro941Leu (NM_001291902.2); short protein forms P1522L, P941L.
Identifiers: ClinVar variation 195673 (VCV000195673.17), dbSNP rs200624778, ClinGen allele CA242195.